The following is an entry in ClinVar:

NM_017882.3(CLN6):c.653G>A (p.Gly218Asp)

Gene: CLN6 (CLN6 transmembrane ER protein; minus strand). Cytogenetic location: 15q23.
Variant type: single nucleotide variant.
Coding change: c.653G>A on transcript NM_017882.3 (MANE Select); coding-DNA position 653, G replaced by A.
Protein change: p.Gly218Asp; replaces glycine 218 with aspartic acid.
Molecular consequence: missense variant.
Genome position (GRCh38, 1-based): chr15:68,209,649, C>T on the plus strand (G>A on the coding strand, the complement: CLN6 is on the minus strand). VCF-style: chr15-68209649-C-T. GRCh37 (hg19) VCF-style: chr15-68501987-C-T.
Other names: short protein forms G218D.
Identifiers: ClinVar variation 1026778 (VCV001026778.11), dbSNP rs1160988895, ClinGen allele CA392972802.

ClinVar aggregate classification (germline): Uncertain significance (1 of 4 stars; one submission).

Conditions:
Neuronal ceroid lipofuscinosis. Also called: Neuronal Ceroid Lipofuscinoses. Identifiers: Orphanet 216, Orphanet 79263, MedGen C0027877, MONDO:0016295. Disease mechanism: loss of function.

Allele frequency attached by ClinVar (database versions not stated): gnomAD exomes below 0.00001.
gnomAD v4.1: 1 of 1,613,072 alleles (0.000062%); highest among the groups gnomAD compares: Admixed American, 0.0017%; no homozygotes.

Submission:

Labcorp Genetics (formerly Invitae), Labcorp
Classification: Uncertain significance for Neuronal ceroid lipofuscinosis. Last evaluated: 2022-07-12. Review status: criteria provided, single submitter. Criteria: Invitae Variant Classification Sherloc (09022015). Collection method: clinical testing. Allele origin: germline.
Comment: This sequence change replaces glycine, which is neutral and non-polar, with aspartic acid, which is acidic and polar, at codon 218 of the CLN6 protein (p.Gly218Asp). This variant is present in population databases (no rsID available, gnomAD 0.003%). This variant has not been reported in the literature in individuals affected with CLN6-related conditions. ClinVar contains an entry for this variant (Variation ID: 1026778). Algorithms developed to predict the effect of missense changes on protein structure and function are either unavailable or do not agree on the potential impact of this missense change (SIFT: "Deleterious"; PolyPhen-2: "Possibly Damaging"; Align-GVGD: "Class C0"). In summary, the available evidence is currently insufficient to determine the role of this variant in disease. Therefore, it has been classified as a Variant of Uncertain Significance.